The following is an entry in ClinVar:

ClinVar aggregate classification (germline): Uncertain significance (1 of 4 stars; one submission).

Submission:

Labcorp Genetics (formerly Invitae), Labcorp
Classification: Uncertain significance. Last evaluated: 2024-11-16. Review status: criteria provided, single submitter. Criteria: Invitae Variant Classification Sherloc (09022015). Collection method: clinical testing. Allele origin: germline.
Comment: This sequence change replaces arginine, which is basic and polar, with serine, which is neutral and polar, at codon 1567 of the CLTC protein (p.Arg1567Ser). This variant is not present in population databases (gnomAD no frequency). This variant has not been reported in the literature in individuals affected with CLTC-related conditions. Invitae Evidence Modeling of protein sequence and biophysical properties (such as structural, functional, and spatial information, amino acid conservation, physicochemical variation, residue mobility, and thermodynamic stability) indicates that this missense variant is not expected to disrupt CLTC protein function with a negative predictive value of 80%. In summary, the available evidence is currently insufficient to determine the role of this variant in disease. Therefore, it has been classified as a Variant of Uncertain Significance.

NM_004859.4(CLTC):c.4689A>C (p.Arg1563Ser)

Gene: CLTC (clathrin heavy chain; plus strand). Cytogenetic location: 17q23.1.
Variant type: single nucleotide variant.
Coding change: c.4689A>C on transcript NM_004859.4 (MANE Select); coding-DNA position 4689, A replaced by C.
Protein change: p.Arg1563Ser; replaces arginine 1563 with serine.
Molecular consequence: missense variant.
Genome position (GRCh38, 1-based): chr17:59,685,670, A>C. VCF-style: chr17-59685670-A-C. GRCh37 (hg19) VCF-style: chr17-57763031-A-C.
Other names: c.4701A>C, p.Arg1567Ser (NM_001288653.2); short protein forms R1563S, R1567S.
Identifiers: ClinVar variation 3665724 (VCV003665724.2).
Genomic context (GRCh38, chr17:59,685,670, plus strand): 5'-ATCTAAAGATACTGAATTGGCTGAAGAACTCCTGCAGTGGTTTTTGCAGGAAGAAAAAAG[A>C]GAGTGCTTTGGAGCTTGTCTGTTTACCTGTTACGATCTTTTAAGGCCAGATGTCGTCCTA-3'
Protein context (NP_004850.1, residues 1553-1573): LLQWFLQEEK[Arg1563Ser]ECFGACLFTC